The following is an entry in ClinVar:

NM_032043.3(BRIP1):c.77T>G (p.Leu26Arg)

Gene: BRIP1 (BRCA1 interacting DNA helicase 1; minus strand). Cytogenetic location: 17q23.2.
Variant type: single nucleotide variant.
Coding change: c.77T>G on transcript NM_032043.3 (MANE Select); coding-DNA position 77, T replaced by G.
Protein change: p.Leu26Arg; replaces leucine 26 with arginine.
Molecular consequence: missense variant.
Genome position (GRCh38, 1-based): chr17:61,861,463, A>C on the plus strand (T>G on the coding strand, the complement: BRIP1 is on the minus strand). VCF-style: chr17-61861463-A-C. GRCh37 (hg19) VCF-style: chr17-59938824-A-C.
Other names: short protein forms L26R.
Identifiers: ClinVar variation 1041181 (VCV001041181.9), dbSNP rs1603368414, ClinGen allele CA400485929.

ClinVar aggregate classification (germline): Uncertain significance (1 of 4 stars; one submission).

Conditions:
Fanconi anemia complementation group J. Also called: BRIP1-Related Fanconi Anemia. Identifiers: Orphanet 84, MedGen C1836860, MONDO:0012187, OMIM 609054.
Familial cancer of breast. Also called: BREAST CANCER, FAMILIAL; Hereditary breast cancer; hereditary breast carcinoma. Identifiers: Orphanet 227535, MedGen C0346153, MONDO:0016419, OMIM 114480. Disease mechanism: loss of function.

Allele frequency attached by ClinVar (database versions not stated): TOPMed 0.00001.

Submission:

Labcorp Genetics (formerly Invitae), Labcorp
Classification: Uncertain significance for Familial cancer of breast; Fanconi anemia complementation group J. Last evaluated: 2025-06-08. Review status: criteria provided, single submitter. Criteria: Invitae Variant Classification Sherloc (09022015). Collection method: clinical testing. Allele origin: germline.
Comment: This sequence change replaces leucine, which is neutral and non-polar, with arginine, which is basic and polar, at codon 26 of the BRIP1 protein (p.Leu26Arg). This variant is not present in population databases (gnomAD no frequency). This variant has not been reported in the literature in individuals affected with BRIP1-related conditions. ClinVar contains an entry for this variant (Variation ID: 1041181). Invitae Evidence Modeling of protein sequence and biophysical properties (such as structural, functional, and spatial information, amino acid conservation, physicochemical variation, residue mobility, and thermodynamic stability) has been performed for this missense variant. However, the output from this modeling did not meet the statistical confidence thresholds required to predict the impact of this variant on BRIP1 protein function. In summary, the available evidence is currently insufficient to determine the role of this variant in disease. Therefore, it has been classified as a Variant of Uncertain Significance.